The following is an entry in ClinVar:

NM_001353214.3(DYM):c.719C>A (p.Ser240Ter)

Gene: DYM (dymeclin; minus strand). Cytogenetic location: 18q21.1.
Variant type: single nucleotide variant.
Coding change: c.719C>A on transcript NM_001353214.3 (MANE Select); coding-DNA position 719, C replaced by A.
Protein change: p.Ser240Ter; replaces serine 240 with a stop codon.
Molecular consequence: nonsense. On other transcripts: intron variant (4).
Genome position (GRCh38, 1-based): chr18:49,331,908, G>T on the plus strand (C>A on the coding strand, the complement: DYM is on the minus strand). VCF-style: chr18-49331908-G-T. GRCh37 (hg19) VCF-style: chr18-46858278-G-T.
Other names: c.719C>A, p.Ser240Ter (NM_001374428.1, NM_001374430.1, NM_001374431.1 and 10 more transcripts); c.716C>A, p.Ser239Ter (NM_001374429.1, NM_001374439.1, NM_001353211.3 and 1 more transcripts); c.593C>A, p.Ser198Ter (NM_001374432.1, NM_001374436.1); c.491C>A, p.Ser164Ter (NM_001374440.1); c.194-45295C>A (NM_001374443.1); c.194-45292C>A (NM_001374444.1, NM_001374442.1, NM_001374441.1); short protein forms S164*, S198*, S239*, S240*.
Identifiers: ClinVar variation 1027549 (VCV001027549.1), dbSNP rs767767037, ClinGen allele CA402508933.

ClinVar aggregate classification (germline): Pathogenic (1 of 4 stars; one submission).

Conditions:
Dyggve-Melchior-Clausen syndrome (DMC). Also called: Dyggve-Melchior-Clausen disease; DMC syndrome. Identifiers: Orphanet 239, MedGen C0265286, MONDO:0009130, OMIM 223800.

gnomAD v4.1: 1 of 1,613,982 alleles (0.000062%); highest among the groups gnomAD compares: Non-Finnish European, 0.000085%; no homozygotes.

Submission:

Medgenome Labs Ltd
Classification: Pathogenic for Dyggve-Melchior-Clausen syndrome. Last evaluated: 2021-01-21. Review status: criteria provided, single submitter. Criteria: ACMG Guidelines, 2015. Collection method: research. Allele origin: germline. Affected: yes. Observed: 2 variant alleles.
Comment: Homozygous in two affected siblings and the parents were heterozygous for the variant